The following is an entry in ClinVar:

NM_001197104.2(KMT2A):c.973G>C (p.Glu325Gln)

Gene: KMT2A (lysine methyltransferase 2A; plus strand). Cytogenetic location: 11q23.3.
Variant type: single nucleotide variant.
Coding change: c.973G>C on transcript NM_001197104.2 (MANE Select); coding-DNA position 973, G replaced by C.
Protein change: p.Glu325Gln; replaces glutamic acid 325 with glutamine.
Molecular consequence: missense variant.
Genome position (GRCh38, 1-based): chr11:118,472,132, G>C. VCF-style: chr11-118472132-G-C. GRCh37 (hg19) VCF-style: chr11-118342847-G-C.
Other names: c.1072G>C, p.Glu358Gln (NM_001412597.1); c.973G>C, p.Glu325Gln (NM_005933.4); short protein forms E325Q, E358Q.
Identifiers: ClinVar variation 2114236 (VCV002114236.28), dbSNP rs781840795, ClinGen allele CA6303359.
Genomic context (GRCh38, chr11:118,472,132, plus strand): 5'-AGGCCTCCATCAACAGAAAGGATAAAGACCCCTTCGGGTCTCCTCATTAATTCTGAACTG[G>C]AAAAGCCCCAGAAAGTCCGGAAAGACAAGGAAGGAACACCTCCACTTACAAAAGAAGATA-3'
Protein context (NP_001184033.1, residues 315-335): PSGLLINSEL[Glu325Gln]KPQKVRKDKE

ClinVar aggregate classification (germline): Uncertain significance. Review status: criteria provided, multiple submitters, no conflicts (2 of 4 stars). 2 submissions from 2 submitters: Uncertain significance (2). Last evaluated 2022-11-01.

Allele frequency attached by ClinVar (database versions not stated): ExAC 0.00001.

Submissions (2):

CeGaT Center for Human Genetics Tuebingen
Classification: Uncertain significance. Last evaluated: 2022-11-01. Review status: criteria provided, single submitter. Criteria: CeGaT Center For Human Genetics Tuebingen Variant Classification Criteria Version 2. Collection method: clinical testing. Allele origin: germline. Affected: yes. Observed: 1 variant allele.
Comment: KMT2A: PM2, BP4

Labcorp Genetics (formerly Invitae), Labcorp
Classification: Uncertain significance. Last evaluated: 2022-10-17. Review status: criteria provided, single submitter. Criteria: Invitae Variant Classification Sherloc (09022015). Collection method: clinical testing. Allele origin: germline.
Comment: In summary, the available evidence is currently insufficient to determine the role of this variant in disease. Therefore, it has been classified as a Variant of Uncertain Significance. Advanced modeling of protein sequence and biophysical properties (such as structural, functional, and spatial information, amino acid conservation, physicochemical variation, residue mobility, and thermodynamic stability) performed at Invitae indicates that this missense variant is not expected to disrupt KMT2A protein function. This variant has not been reported in the literature in individuals affected with KMT2A-related conditions. This variant is not present in population databases (gnomAD no frequency). This sequence change replaces glutamic acid, which is acidic and polar, with glutamine, which is neutral and polar, at codon 325 of the KMT2A protein (p.Glu325Gln).